The following is an entry in ClinVar:

ClinVar aggregate classification (germline): Uncertain significance. Review status: criteria provided, multiple submitters, no conflicts (2 of 4 stars). 3 submissions from 3 submitters: Uncertain significance (3). Last evaluated 2025-11-12.

Conditions:
RYR1-related disorder. Also called: RYR1-related condition; RYR1-related disorders. Identifiers: MedGen CN239331.
Malignant hyperthermia, susceptibility to, 1 (MHS1). Also called: RYR1-Related Malignant Hyperthermia Susceptibility; Anesthesia related hyperthermia; Malignant hyperpyrexia; Fulminating hyperpyrexia; Pharmacogenic myopathy; Malignant hyperthermia suceptibility 1. Identifiers: Orphanet 423, MedGen C2930980, MONDO:0007783, OMIM 145600.

Allele frequency attached by ClinVar (database versions not stated): TOPMed below 0.00001; gnomAD exomes 0.00001.
gnomAD v4.1: 3 of 1,613,778 alleles (0.00019%); highest among the groups gnomAD compares: African/African-American, 0.0013%; no homozygotes.

Submissions (3):

Labcorp Genetics (formerly Invitae), Labcorp
Classification: Uncertain significance for RYR1-related disorder. Last evaluated: 2025-11-12. Review status: criteria provided, single submitter. Criteria: Invitae Variant Classification Sherloc (09022015). Collection method: clinical testing. Allele origin: germline.
Comment: This sequence change replaces arginine, which is basic and polar, with glutamine, which is neutral and polar, at codon 1289 of the RYR1 protein (p.Arg1289Gln). This variant is present in population databases (no rsID available, gnomAD 0.0009%). This missense change has been observed in individual(s) with autosomal dominant congenital myopathy (PMID: 35428369). ClinVar contains an entry for this variant (Variation ID: 3069415). Invitae Evidence Modeling of protein sequence and biophysical properties (such as structural, functional, and spatial information, amino acid conservation, physicochemical variation, residue mobility, and thermodynamic stability) indicates that this missense variant is expected to disrupt RYR1 protein function with a positive predictive value of 95%. In summary, the available evidence is currently insufficient to determine the role of this variant in disease. Therefore, it has been classified as a Variant of Uncertain Significance.

Color Diagnostics, LLC DBA Color Health
Classification: Uncertain significance for Malignant hyperthermia, susceptibility to, 1. Last evaluated: 2025-06-24. Review status: criteria provided, single submitter. Criteria: ACMG Guidelines, 2015. Collection method: clinical testing. Allele origin: germline.
Comment: This missense variant replaces arginine with glutamine at codon 1289 of the RYR1 protein. Computational prediction suggests that this variant may have deleterious impact on protein structure and function. To our knowledge, functional studies have not been reported for this variant. This variant has not been reported in individuals affected with RYR1-related disorders in the literature. This variant has been identified in 1/249194 chromosomes in the general population by the Genome Aggregation Database (gnomAD). The available evidence is insufficient to determine the role of this variant in disease conclusively. Therefore, this variant is classified as a Variant of Uncertain Significance.

All of Us Research Program, National Institutes of Health
Classification: Uncertain significance for Malignant hyperthermia, susceptibility to, 1. Last evaluated: 2023-02-10. Review status: criteria provided, single submitter. Criteria: ACMG Guidelines, 2015. Collection method: clinical testing. Allele origin: germline. Inheritance: Autosomal dominant inheritance. Observed: 1 variant allele, 1 heterozygote.
Comment: This study involves interpretation of variants in research participants for the purpose of population health screening. Participant phenotype was not available at the time of variant classification. Additional details can be found in publication PMID: 35346344, PMCID: PMC8962531

Literature cited by the submitters: PubMed 35428369 (cited by Labcorp Genetics (formerly Invitae), Labcorp).

NM_000540.3(RYR1):c.3866G>A (p.Arg1289Gln)

Gene: RYR1 (ryanodine receptor 1; plus strand). Cytogenetic location: 19q13.2.
Variant type: single nucleotide variant.
Coding change: c.3866G>A on transcript NM_000540.3 (MANE Select); coding-DNA position 3866, G replaced by A.
Protein change: p.Arg1289Gln; replaces arginine 1289 with glutamine.
Molecular consequence: missense variant.
Genome position (GRCh38, 1-based): chr19:38,473,477, G>A. VCF-style: chr19-38473477-G-A. GRCh37 (hg19) VCF-style: chr19-38964117-G-A.
Other names: c.3866G>A, p.Arg1289Gln (NM_001042723.2); short protein forms R1289Q.
Identifiers: ClinVar variation 3069415 (VCV003069415.2), dbSNP rs1222529194, ClinGen allele CA405641882.